The following is an entry in ClinVar:

NM_000350.3(ABCA4):c.4855T>C (p.Phe1619Leu)

Genes: ABCA4 (ATP binding cassette subfamily A member 4; minus strand), LOC126805793 (CDK7 strongly-dependent group 2 enhancer GRCh37_chr1:94486302-94487501; plus strand). Cytogenetic location: 1p22.1.
Variant type: single nucleotide variant.
Coding change: c.4855T>C on transcript NM_000350.3 (MANE Select); coding-DNA position 4855, T replaced by C.
Protein change: p.Phe1619Leu; replaces phenylalanine 1619 with leucine.
Molecular consequence: missense variant.
Genome position (GRCh38, 1-based): chr1:94,021,403, A>G on the plus strand (T>C on the coding strand, the complement: ABCA4 is on the minus strand). VCF-style: chr1-94021403-A-G. GRCh37 (hg19) VCF-style: chr1-94486959-A-G.
Other names: c.4633T>C, p.Phe1545Leu (NM_001425324.1); short protein forms F1619L, F1545L.
Identifiers: ClinVar variation 3720218 (VCV003720218.2).

ClinVar aggregate classification (germline): Pathogenic (1 of 4 stars; one submission).

Submission:

Labcorp Genetics (formerly Invitae), Labcorp
Classification: Pathogenic. Last evaluated: 2025-10-08. Review status: criteria provided, single submitter. Criteria: Invitae Variant Classification Sherloc (09022015). Collection method: clinical testing. Allele origin: germline.
Comment: This sequence change replaces phenylalanine, which is neutral and non-polar, with leucine, which is neutral and non-polar, at codon 1619 of the ABCA4 protein (p.Phe1619Leu). This variant is not present in population databases (gnomAD no frequency). This missense change has been observed in individual(s) with Stargardt Disease (PMID: 32619608, 36729443). ClinVar contains an entry for this variant (Variation ID: 3720218). Invitae Evidence Modeling of protein sequence and biophysical properties (such as structural, functional, and spatial information, amino acid conservation, physicochemical variation, residue mobility, and thermodynamic stability) indicates that this missense variant is expected to disrupt ABCA4 protein function with a positive predictive value of 95%. For these reasons, this variant has been classified as Pathogenic.

Literature cited by the submitters: PubMed 32619608; PubMed 36729443.